The following is an entry in ClinVar:

NM_004006.3(DMD):c.10775G>A (p.Arg3592Lys)

Gene: DMD (dystrophin; minus strand). Cytogenetic location: Xp21.2.
Variant type: single nucleotide variant.
Coding change: c.10775G>A on transcript NM_004006.3 (MANE Select); coding-DNA position 10775, G replaced by A.
Protein change: p.Arg3592Lys; replaces arginine 3592 with lysine.
Molecular consequence: missense variant.
Genome position (GRCh38, 1-based): chrX:31,147,297, C>T on the plus strand (G>A on the coding strand, the complement: DMD is on the minus strand). VCF-style: chrX-31147297-C-T. GRCh37 (hg19) VCF-style: chrX-31165414-C-T.
Other names: c.10751G>A, p.Arg3584Lys (NM_000109.4); c.10763G>A, p.Arg3588Lys (NM_004009.3); c.10406G>A, p.Arg3469Lys (NM_004010.3); c.6752G>A, p.Arg2251Lys (NM_004011.4); c.6743G>A, p.Arg2248Lys (NM_004012.4); c.3395G>A, p.Arg1132Lys (NM_004013.3, NM_004021.3); c.2588G>A, p.Arg863Lys (NM_004014.3); c.1571G>A, p.Arg524Lys (NM_004015.3, NM_004016.3); and 3 more; short protein forms R1022K, R1119K, R1132K, R2248K, R2251K, R3469K, R3584K, R3588K.
Identifiers: ClinVar variation 5039397 (VCV005039397.1).

ClinVar aggregate classification (germline): Uncertain significance (1 of 4 stars; one submission).

Submission:

CeGaT Center for Human Genetics Tuebingen
Classification: Uncertain significance. Last evaluated: 2026-08-01. Review status: criteria provided, single submitter. Criteria: CeGaT Center For Human Genetics Tuebingen Variant Classification Criteria Version 2. Collection method: clinical testing. Allele origin: germline. Affected: yes. Observed: 1 variant allele.
Comment: DMD: PM2, PP3